The following is an entry in ClinVar:

ClinVar aggregate classification (germline): Uncertain significance (1 of 4 stars; one submission).

Conditions:
Charcot-Marie-Tooth disease type 2. Also called: Charcot-Marie-Tooth type 2. Identifiers: Orphanet 64746, MedGen C0270914, MONDO:0018993.

Allele frequency attached by ClinVar (database versions not stated): gnomAD exomes below 0.00001.
gnomAD v4.1: 1 of 1,614,066 alleles (0.000062%); highest among the groups gnomAD compares: Admixed American, 0.0017%; no homozygotes.

Submission:

Labcorp Genetics (formerly Invitae), Labcorp
Classification: Uncertain significance for Charcot-Marie-Tooth disease type 2. Last evaluated: 2021-01-21. Review status: criteria provided, single submitter. Criteria: Invitae Variant Classification Sherloc (09022015). Collection method: clinical testing. Allele origin: germline.
Comment: This sequence change replaces aspartic acid with asparagine at codon 126 of the LMNA protein (p.Asp126Asn). The aspartic acid residue is highly conserved and there is a small physicochemical difference between aspartic acid and asparagine. This variant is not present in population databases (ExAC no frequency). This variant has not been reported in the literature in individuals with LMNA-related conditions. Algorithms developed to predict the effect of missense changes on protein structure and function are either unavailable or do not agree on the potential impact of this missense change (SIFT: "Deleterious"; PolyPhen-2: "Possibly Damaging"; Align-GVGD: "Class C15"). In summary, the available evidence is currently insufficient to determine the role of this variant in disease. Therefore, it has been classified as a Variant of Uncertain Significance.

NM_170707.4(LMNA):c.376G>A (p.Asp126Asn)

Genes: LMNA (lamin A/C; plus strand), LOC126805877 (MED14-independent group 3 enhancer GRCh37_chr1:156099693-156100892; plus strand). Cytogenetic location: 1q22.
Variant type: single nucleotide variant.
Coding change: c.376G>A on transcript NM_170707.4 (MANE Select); coding-DNA position 376, G replaced by A.
Protein change: p.Asp126Asn; replaces aspartic acid 126 with asparagine.
Molecular consequence: missense variant.
Genome position (GRCh38, 1-based): chr1:156,130,636, G>A. VCF-style: chr1-156130636-G-A. GRCh37 (hg19) VCF-style: chr1-156100427-G-A.
Other names: c.40G>A, p.Asp14Asn (NM_001257374.3); c.133G>A, p.Asp45Asn (NM_001282624.2); c.376G>A, p.Asp126Asn (NM_001282625.2, NM_001282626.2, NM_005572.4 and 1 more transcripts); short protein forms D14N, D45N, D126N.
Identifiers: ClinVar variation 1463668 (VCV001463668.8), dbSNP rs1351159308, ClinGen allele CA342815074.